The following is an entry in ClinVar:

ClinVar aggregate classification (germline): Uncertain significance (1 of 4 stars; one submission).

Conditions:
Charcot-Marie-Tooth disease type 2. Also called: Charcot-Marie-Tooth type 2. Identifiers: Orphanet 64746, MedGen C0270914, MONDO:0018993.

Allele frequency attached by ClinVar (database versions not stated): gnomAD 0.00002; TOPMed 0.00002.
gnomAD v4.1: 5 of 1,606,178 alleles (0.00031%); highest among the groups gnomAD compares: Non-Finnish European, 0.00042%; no homozygotes.

Submission:

Labcorp Genetics (formerly Invitae), Labcorp
Classification: Uncertain significance for Charcot-Marie-Tooth disease type 2. Last evaluated: 2022-03-12. Review status: criteria provided, single submitter. Criteria: Invitae Variant Classification Sherloc (09022015). Collection method: clinical testing. Allele origin: germline.
Comment: This sequence change replaces serine, which is neutral and polar, with cysteine, which is neutral and slightly polar, at codon 366 of the MED25 protein (p.Ser366Cys). This variant is not present in population databases (gnomAD no frequency). This variant has not been reported in the literature in individuals affected with MED25-related conditions. Algorithms developed to predict the effect of missense changes on protein structure and function are either unavailable or do not agree on the potential impact of this missense change (SIFT: "Deleterious"; PolyPhen-2: "Possibly Damaging"; Align-GVGD: "Class C0"). In summary, the available evidence is currently insufficient to determine the role of this variant in disease. Therefore, it has been classified as a Variant of Uncertain Significance.

NM_030973.4(MED25):c.1097C>G (p.Ser366Cys)

Gene: MED25 (mediator complex subunit 25; plus strand). Cytogenetic location: 19q13.33.
Variant type: single nucleotide variant.
Coding change: c.1097C>G on transcript NM_030973.4 (MANE Select); coding-DNA position 1097, C replaced by G.
Protein change: p.Ser366Cys; replaces serine 366 with cysteine.
Molecular consequence: missense variant.
Genome position (GRCh38, 1-based): chr19:49,830,883, C>G. VCF-style: chr19-49830883-C-G. GRCh37 (hg19) VCF-style: chr19-50334140-C-G.
Other names: c.1097C>G, p.Ser366Cys (NM_001378355.1); short protein forms S366C.
Identifiers: ClinVar variation 2089530 (VCV002089530.1), dbSNP rs1162744440, ClinGen allele CA406915500.